The following is an entry in ClinVar:

ClinVar aggregate classification (germline): Uncertain significance (1 of 4 stars; one submission).

Conditions:
DK1-congenital disorder of glycosylation. Also called: DK1-CDG; CDG Im; DK1 DEFICIENCY; DOLICHOL KINASE DEFICIENCY; CONGENITAL DISORDER OF GLYCOSYLATION, TYPE Im; DOLK-congenital disorder of glycosylation. Identifiers: Orphanet 91131, MedGen C1835849, MONDO:0012556, OMIM 610768.

Submission:

Labcorp Genetics (formerly Invitae), Labcorp
Classification: Uncertain significance for DK1-congenital disorder of glycosylation. Last evaluated: 2020-10-05. Review status: criteria provided, single submitter. Criteria: Invitae Variant Classification Sherloc (09022015). Collection method: clinical testing. Allele origin: germline.
Comment: This sequence change replaces proline with leucine at codon 83 of the DOLK protein (p.Pro83Leu). The proline residue is moderately conserved and there is a moderate physicochemical difference between proline and leucine. This variant is not present in population databases (ExAC no frequency). This variant has not been reported in the literature in individuals with DOLK-related conditions. Algorithms developed to predict the effect of missense changes on protein structure and function are either unavailable or do not agree on the potential impact of this missense change (SIFT: "Tolerated"; PolyPhen-2: "Possibly Damaging"; Align-GVGD: "Class C0"). In summary, the available evidence is currently insufficient to determine the role of this variant in disease. Therefore, it has been classified as a Variant of Uncertain Significance.

NM_014908.4(DOLK):c.248C>T (p.Pro83Leu)

Gene: DOLK (dolichol kinase; minus strand). Cytogenetic location: 9q34.11.
Variant type: single nucleotide variant.
Coding change: c.248C>T on transcript NM_014908.4 (MANE Select); coding-DNA position 248, C replaced by T.
Protein change: p.Pro83Leu; replaces proline 83 with leucine.
Molecular consequence: missense variant.
Genome position (GRCh38, 1-based): chr9:128,947,056, G>A on the plus strand (C>T on the coding strand, the complement: DOLK is on the minus strand). VCF-style: chr9-128947056-G-A. GRCh37 (hg19) VCF-style: chr9-131709335-G-A.
Other names: short protein forms P83L.
Identifiers: ClinVar variation 1061645 (VCV001061645.9), dbSNP rs2131129046, ClinGen allele CA375127285.
Genomic context (GRCh38, chr9:128,947,056, plus strand): 5'-CCAGCAGTCTGGCACCGCTCCTTCATGACTAGTCCAAGCAAAGGCATGACCATGGAGGCG[G>A]GCAATAGGCCACTGTTTGCGGACATTCGGAACTGGAAGACGGCGCTTCCCTGCTGTAGCA-3'
Protein context (NP_055723.1, residues 73-93): FRMSANSGLL[Pro83Leu]ASMVMPLLGL